The following is an entry in ClinVar:

NM_000091.5(COL4A3):c.1856G>A (p.Gly619Glu)

Genes: COL4A3 (collagen type IV alpha 3 chain; plus strand), MFF-DT (MFF divergent transcript; minus strand). Cytogenetic location: 2q36.3.
Variant type: single nucleotide variant.
Coding change: c.1856G>A on transcript NM_000091.5 (MANE Select); coding-DNA position 1856, G replaced by A.
Protein change: p.Gly619Glu; replaces glycine 619 with glutamic acid.
Molecular consequence: missense variant.
Genome position (GRCh38, 1-based): chr2:227,273,046, G>A. VCF-style: chr2-227273046-G-A. GRCh37 (hg19) VCF-style: chr2-228137762-G-A.
Other names: short protein forms G619E.
Identifiers: ClinVar variation 1372591 (VCV001372591.9), dbSNP rs2071336508, ClinGen allele CA350844931.
Genomic context (GRCh38, chr2:227,273,046, plus strand): 5'-GGGATCCTGGCTCCCCTGGGTCCCCAGGACCTGCAGGACCAGCTGGACCACCTGGCTACG[G>A]ACCCCAAGGAGAACCTGGTCTCCAGGGCACGCAAGGAGTTCCTGGAGCCCCCGGACCACC-3'
Protein context (NP_000082.2, residues 609-629): PAGPAGPPGY[Gly619Glu]PQGEPGLQGT

ClinVar aggregate classification (germline): Uncertain significance. Review status: criteria provided, multiple submitters, no conflicts (2 of 4 stars). 2 submissions from 2 submitters: Uncertain significance (2). Last evaluated 2023-09-04.

Conditions:
Autosomal dominant Alport syndrome (ATS3A). Also called: ALPORT SYNDROME 3A, AUTOSOMAL DOMINANT; Alport syndrome dominant type; Renal failure and sensorineural hearing loss. Identifiers: Orphanet 63, Orphanet 88918, MedGen C5882663, MONDO:0007086, OMIM 104200.
Autosomal recessive Alport syndrome (ATS2). Also called: Alport syndrome type 2; COL4A3-Related Nephropathy; ALPORT SYNDROME 2, AUTOSOMAL RECESSIVE; COL4A4 Alport Syndrome and Thin Basement Membrane Nephropathy. Identifiers: Orphanet 63, Orphanet 88919, MedGen C4746745, MONDO:0008762, OMIM 203780.
Benign familial hematuria. Also called: thin basement membrane disease. Identifiers: MedGen C0241908, MONDO:0957317.

Allele frequency attached by ClinVar (database versions not stated): TOPMed below 0.00001.

Submissions (2):

Labcorp Genetics (formerly Invitae), Labcorp
Classification: Uncertain significance. Last evaluated: 2023-09-04. Review status: criteria provided, single submitter. Criteria: Invitae Variant Classification Sherloc (09022015). Collection method: clinical testing. Allele origin: germline.
Comment: ClinVar contains an entry for this variant (Variation ID: 1372591). In summary, the available evidence is currently insufficient to determine the role of this variant in disease. Therefore, it has been classified as a Variant of Uncertain Significance. This variant disrupts the p.Gly619 amino acid residue in COL4A3. Other variant(s) that disrupt this residue have been determined to be pathogenic (PMID: 24633401, 25596306). This suggests that this residue is clinically significant, and that variants that disrupt this residue are likely to be disease-causing. Advanced modeling of protein sequence and biophysical properties (such as structural, functional, and spatial information, amino acid conservation, physicochemical variation, residue mobility, and thermodynamic stability) performed at Invitae indicates that this missense variant is expected to disrupt COL4A3 protein function. This variant has not been reported in the literature in individuals affected with COL4A3-related conditions. This variant is not present in population databases (gnomAD no frequency). This sequence change replaces glycine, which is neutral and non-polar, with glutamic acid, which is acidic and polar, at codon 619 of the COL4A3 protein (p.Gly619Glu).

Fulgent Genetics
Classification: Uncertain significance for Autosomal dominant Alport syndrome; Hematuria, benign familial, 1; Autosomal recessive Alport syndrome. Last evaluated: 2022-05-14. Review status: criteria provided, single submitter. Criteria: ACMG Guidelines, 2015. Collection method: clinical testing. Allele origin: unknown.

Literature cited by the submitters: PubMed 24633401 (cited by Labcorp Genetics (formerly Invitae), Labcorp); PubMed 25596306 (cited by Labcorp Genetics (formerly Invitae), Labcorp).